The following is an entry in ClinVar:

NM_000046.5(ARSB):c.533A>T (p.His178Leu)

Gene: ARSB (arylsulfatase B; minus strand). Cytogenetic location: 5q14.1.
Variant type: single nucleotide variant.
Coding change: c.533A>T on transcript NM_000046.5 (MANE Select); coding-DNA position 533, A replaced by T.
Protein change: p.His178Leu; replaces histidine 178 with leucine.
Molecular consequence: missense variant.
Genome position (GRCh38, 1-based): chr5:78,964,573, T>A on the plus strand (A>T on the coding strand, the complement: ARSB is on the minus strand). VCF-style: chr5-78964573-T-A. GRCh37 (hg19) VCF-style: chr5-78260396-T-A.
Other names: c.533A>T, p.His178Leu (NM_198709.3); short protein forms H178L.
Identifiers: ClinVar variation 559797 (VCV000559797.1), dbSNP rs1554087439, ClinGen allele CA360193403.

ClinVar aggregate classification (germline): Likely pathogenic (1 of 4 stars; one submission).

Conditions:
Mucopolysaccharidosis type 6 (MPS6). Also called: N-ACETYLGALACTOSAMINE-4-SULFATASE DEFICIENCY; MPS VI; MPS 6; Maroteaux Lamy syndrome; ARSB DEFICIENCY; ARYLSULFATASE B DEFICIENCY. Identifiers: Orphanet 583, MedGen C0026709, MONDO:0009661, OMIM 253200.

Submission:

Laboratory of Diagnosis and Therapy of Lysosomal Disorders, University of Padova
Classification: Likely pathogenic for Mucopolysaccharidosis type 6. Last evaluated: 2018-01-01. Review status: criteria provided, single submitter. Criteria: ACMG Guidelines, 2015. Collection method: curation. Allele origin: germline. Affected: yes.
Comment: In vitro functional studies supportive of a damaging effect on the gene product (low to no ARSB activity in homozygotes; PS3); Absent from GnomAD (PM2)

Literature cited by the submitters: PubMed 17458871; PubMed 21996138; PubMed 28649537; PubMed 30118150.